The following is an entry in ClinVar:

ClinVar aggregate classification (germline): Likely pathogenic (1 of 4 stars; one submission).

Conditions:
Nemaline myopathy 2 (NEM2). Also called: Nemaline myopathy 2, autosomal recessive. Identifiers: MedGen C1850569, MONDO:0009725, OMIM 256030.

Submission:

Labcorp Genetics (formerly Invitae), Labcorp
Classification: Likely pathogenic for Nemaline myopathy 2. Last evaluated: 2021-05-06. Review status: criteria provided, single submitter. Criteria: Invitae Variant Classification Sherloc (09022015). Collection method: clinical testing. Allele origin: germline.
Comment: This variant is not present in population databases (ExAC no frequency). This sequence change affects an acceptor splice site in intron 119 of the NEB gene. It is expected to disrupt RNA splicing. Variants that disrupt the donor or acceptor splice site typically lead to a loss of protein function (PMID: 16199547), and loss-of-function variants in NEB are known to be pathogenic (PMID: 25205138). This variant has not been reported in the literature in individuals with NEB-related conditions. Algorithms developed to predict the effect of sequence changes on RNA splicing suggest that this variant may disrupt the consensus splice site, but this prediction has not been confirmed by published transcriptional studies. In summary, the currently available evidence indicates that the variant is pathogenic, but additional data are needed to prove that conclusively. Therefore, this variant has been classified as Likely Pathogenic.

Literature cited by the submitters: PubMed 16199547; PubMed 25205138.

NM_001164508.2(NEB):c.18694-1G>A

Gene: NEB (nebulin; minus strand). Cytogenetic location: 2q23.3.
Variant type: single nucleotide variant.
Coding change: c.18694-1G>A on transcript NM_001164508.2 (MANE Select); the canonical splice acceptor site of the intron before coding-DNA position 18694, G replaced by A.
Molecular consequence: splice acceptor variant.
Genome position (GRCh38, 1-based): chr2:151,562,809, C>T on the plus strand (G>A on the coding strand, the complement: NEB is on the minus strand). VCF-style: chr2-151562809-C-T. GRCh37 (hg19) VCF-style: chr2-152419323-C-T.
Other names: c.13591-1G>A (NM_004543.5); c.18694-1G>A (NM_001164507.2, NM_001271208.2).
Identifiers: ClinVar variation 1485278 (VCV001485278.8), dbSNP rs2153712182, ClinGen allele CA348798534.